The following is an entry in ClinVar:

NM_019594.4(LRRC8A):c.751C>T (p.Arg251Trp)

Gene: LRRC8A (leucine rich repeat containing 8 VRAC subunit A; plus strand). Cytogenetic location: 9q34.11.
Variant type: single nucleotide variant.
Coding change: c.751C>T on transcript NM_019594.4 (MANE Select); coding-DNA position 751, C replaced by T.
Protein change: p.Arg251Trp; replaces arginine 251 with tryptophan.
Molecular consequence: missense variant.
Genome position (GRCh38, 1-based): chr9:128,907,915, C>T. VCF-style: chr9-128907915-C-T. GRCh37 (hg19) VCF-style: chr9-131670194-C-T.
Other names: c.751C>T, p.Arg251Trp (NM_001127244.2, NM_001127245.2); short protein forms R251W.
Identifiers: ClinVar variation 3664619 (VCV003664619.2).

ClinVar aggregate classification (germline): Uncertain significance (1 of 4 stars; one submission).

gnomAD v4.1: 1 of 1,614,056 alleles (0.000062%); highest among the groups gnomAD compares: Non-Finnish European, 0.000085%; no homozygotes.

Submission:

Labcorp Genetics (formerly Invitae), Labcorp
Classification: Uncertain significance. Last evaluated: 2024-05-06. Review status: criteria provided, single submitter. Criteria: Invitae Variant Classification Sherloc (09022015). Collection method: clinical testing. Allele origin: germline.
Comment: This sequence change replaces arginine, which is basic and polar, with tryptophan, which is neutral and slightly polar, at codon 251 of the LRRC8A protein (p.Arg251Trp). This variant is not present in population databases (gnomAD no frequency). This variant has not been reported in the literature in individuals affected with LRRC8A-related conditions. An algorithm developed to predict the effect of missense changes on protein structure and function (PolyPhen-2) suggests that this variant is likely to be disruptive. In summary, the available evidence is currently insufficient to determine the role of this variant in disease. Therefore, it has been classified as a Variant of Uncertain Significance.